The following is an entry in ClinVar:

NM_001039141.3(TRIOBP):c.3079T>C (p.Ser1027Pro)

Gene: TRIOBP (TRIO and F-actin binding protein; plus strand). Cytogenetic location: 22q13.1.
Variant type: single nucleotide variant.
Coding change: c.3079T>C on transcript NM_001039141.3 (MANE Select); coding-DNA position 3079, T replaced by C.
Protein change: p.Ser1027Pro; replaces serine 1027 with proline.
Molecular consequence: missense variant.
Genome position (GRCh38, 1-based): chr22:37,725,635, T>C. VCF-style: chr22-37725635-T-C. GRCh37 (hg19) VCF-style: chr22-38121642-T-C.
Other names: short protein forms S1027P.
Identifiers: ClinVar variation 3776428 (VCV003776428.2).

ClinVar aggregate classification (germline): Uncertain significance. Review status: criteria provided, multiple submitters, no conflicts (2 of 4 stars). 2 submissions from 2 submitters: Uncertain significance (2). Last evaluated 2024-10-03.

gnomAD v4.1: 7 of 1,613,154 alleles (0.00043%); highest among the groups gnomAD compares: African/African-American, 0.0013%; no homozygotes.

Submissions (2):

GeneDx
Classification: Uncertain significance. Last evaluated: 2024-10-03. Review status: criteria provided, single submitter. Criteria: GeneDx Variant Classification Process June 2021. Collection method: clinical testing. Allele origin: germline. Affected: yes.
Comment: Not observed at significant frequency in large population cohorts (gnomAD); In silico analysis indicates that this missense variant does not alter protein structure/function; Has not been previously published as pathogenic or benign to our knowledge

Blueprint Genetics
Classification: Uncertain significance. Last evaluated: 2021-03-24. Review status: criteria provided, single submitter. Criteria: ACMG Guidelines, 2015. Collection method: clinical testing. Allele origin: germline.